The following is an entry in ClinVar:

ClinVar aggregate classification (germline): Uncertain significance (1 of 4 stars; one submission).

Conditions:
Infantile neuroaxonal dystrophy (NBIA2A). Also called: NEURODEGENERATION WITH BRAIN IRON ACCUMULATION 2A; SEITELBERGER DISEASE; Infantile neuroaxonal dystrophy 1. Identifiers: Orphanet 35069, MedGen C0270724, MONDO:0024457, OMIM 256600.

Allele frequency attached by ClinVar (database versions not stated): TOPMed 0.00001.

Submission:

Labcorp Genetics (formerly Invitae), Labcorp
Classification: Uncertain significance for Infantile neuroaxonal dystrophy. Last evaluated: 2022-06-27. Review status: criteria provided, single submitter. Criteria: Invitae Variant Classification Sherloc (09022015). Collection method: clinical testing. Allele origin: germline.
Comment: This sequence change replaces threonine, which is neutral and polar, with alanine, which is neutral and non-polar, at codon 776 of the PLA2G6 protein (p.Thr776Ala). This variant is not present in population databases (gnomAD no frequency). This variant has not been reported in the literature in individuals affected with PLA2G6-related conditions. Advanced modeling of protein sequence and biophysical properties (such as structural, functional, and spatial information, amino acid conservation, physicochemical variation, residue mobility, and thermodynamic stability) performed at Invitae indicates that this missense variant is not expected to disrupt PLA2G6 protein function. In summary, the available evidence is currently insufficient to determine the role of this variant in disease. Therefore, it has been classified as a Variant of Uncertain Significance.

NM_003560.4(PLA2G6):c.2326A>G (p.Thr776Ala)

Gene: PLA2G6 (phospholipase A2 group VI; minus strand). Cytogenetic location: 22q13.1.
Variant type: single nucleotide variant.
Coding change: c.2326A>G on transcript NM_003560.4 (MANE Select); coding-DNA position 2326, A replaced by G.
Protein change: p.Thr776Ala; replaces threonine 776 with alanine.
Molecular consequence: missense variant.
Genome position (GRCh38, 1-based): chr22:38,112,256, T>C on the plus strand (A>G on the coding strand, the complement: PLA2G6 is on the minus strand). VCF-style: chr22-38112256-T-C. GRCh37 (hg19) VCF-style: chr22-38508263-T-C.
Other names: c.2164A>G, p.Thr722Ala (NM_001004426.3, NM_001199562.3, NM_001349865.2 and 1 more transcripts); c.2326A>G, p.Thr776Ala (NM_001349864.2); c.1792A>G, p.Thr598Ala (NM_001349867.2); c.1648A>G, p.Thr550Ala (NM_001349868.2); c.1630A>G, p.Thr544Ala (NM_001349869.2); short protein forms T722A, T550A, T544A, T598A, T776A.
Identifiers: ClinVar variation 2170517 (VCV002170517.3), dbSNP rs1407617238, ClinGen allele CA411523161.